The following is an entry in ClinVar:

ClinVar aggregate classification (germline): Conflicting classifications of pathogenicity. Review status: criteria provided, conflicting classifications (1 of 4 stars). 7 submissions from 7 submitters: Uncertain significance (5); Likely benign (2). Last evaluated 2026-05-21.

Conditions:
Ehlers-Danlos syndrome, classic type, 1 (EDSCL1). Also called: EHLERS-DANLOS SYNDROME, GRAVIS TYPE; EHLERS-DANLOS SYNDROME, SEVERE CLASSIC TYPE; Ehlers-Danlos syndrome, type 1; Ehlers-Danlos Syndrome, Classic Type, COL5A1-Related; EDS I. Identifiers: MedGen C0268335, MONDO:0019567, OMIM 130000.
Ehlers-Danlos syndrome, classic type, 2 (EDSCL2). Also called: Ehlers-Danlos syndrome, type 2; Ehlers-Danlos Syndrome, Classic Type, COL5A2-Related; Ehlers-Danlos syndrome type 2 (formerly). Identifiers: Orphanet 287, Orphanet 90318, MedGen C0268336, MONDO:0019568, OMIM 130010.
Familial thoracic aortic aneurysm and aortic dissection (TAAD). Also called: Thoracic aortic aneurysms and dissections. Identifiers: Orphanet 91387, MedGen C4707243, MONDO:0019625.

Allele frequency attached by ClinVar (database versions not stated): gnomAD 0.00003; TOPMed 0.00003; ExAC 0.00002; gnomAD exomes 0.00002.
gnomAD v4.1: 34 of 1,613,904 alleles (0.0021%); highest among the groups gnomAD compares: Non-Finnish European, 0.0028%; no homozygotes.

Submissions (7):

Women's Health and Genetics/Laboratory Corporation of America, LabCorp
Classification: Uncertain significance. Last evaluated: 2026-05-21. Review status: criteria provided, single submitter. Criteria: LabCorp Variant Classification Summary - May 2015. Collection method: clinical testing. Allele origin: germline.
Comment: Variant summary: COL5A2 c.2881C>T (p.Pro961Ser) results in a non-conservative amino acid change in the encoded protein sequence. Algorithms developed to predict the effect of missense changes on protein structure and function all suggest that this variant is likely to be disruptive. The variant allele was found at a frequency of 2.1e-05 in 1613904 control chromosomes. This frequency is not significantly higher than estimated for disease-causing variants in COL5A2, allowing no conclusion about variant significance. To our knowledge, no occurrence of c.2881C>T in individuals affected with COL5A2-related conditions and no experimental evidence demonstrating its impact on protein function have been reported. ClinVar contains an entry for this variant (Variation ID: 74355). Based on the evidence outlined above, the variant was classified as uncertain significance.

Labcorp Genetics (formerly Invitae), Labcorp
Classification: Likely benign for Ehlers-Danlos syndrome, classic type, 1. Last evaluated: 2025-11-05. Review status: criteria provided, single submitter. Criteria: Invitae Variant Classification Sherloc (09022015). Collection method: clinical testing. Allele origin: germline.

Ambry Genetics
Classification: Likely benign for Familial thoracic aortic aneurysm and aortic dissection. Last evaluated: 2025-10-30. Review status: criteria provided, single submitter. Criteria: Ambry Variant Classification Scheme 2023. Collection method: clinical testing. Allele origin: germline.

Mayo Clinic Laboratories, Mayo Clinic
Classification: Uncertain significance. Last evaluated: 2025-02-12. Review status: criteria provided, single submitter. Criteria: ACMG Guidelines, 2015. Collection method: clinical testing. Allele origin: germline. Observed: 2 variant alleles.
Comment: BS1

Blueprint Genetics
Classification: Uncertain significance. Last evaluated: 2024-05-02. Review status: criteria provided, single submitter. Criteria: ACMG Guidelines, 2015. Collection method: clinical testing. Allele origin: germline.

GeneDx
Classification: Uncertain significance. Last evaluated: 2023-10-10. Review status: criteria provided, single submitter. Criteria: GeneDx Variant Classification Process June 2021. Collection method: clinical testing. Allele origin: germline. Affected: yes.
Comment: Has not been previously published as pathogenic or benign to our knowledge; Not observed at significant frequency in large population cohorts (gnomAD); In silico analysis supports that this missense variant has a deleterious effect on protein structure/function

Fulgent Genetics
Classification: Uncertain significance for Ehlers-Danlos syndrome, classic type, 2. Last evaluated: 2021-11-01. Review status: criteria provided, single submitter. Criteria: ACMG Guidelines, 2015. Collection method: clinical testing. Allele origin: unknown.

NM_000393.5(COL5A2):c.2881C>T (p.Pro961Ser)

Gene: COL5A2 (collagen type V alpha 2 chain; minus strand). Cytogenetic location: 2q32.2.
Variant type: single nucleotide variant.
Coding change: c.2881C>T on transcript NM_000393.5 (MANE Select); coding-DNA position 2881, C replaced by T.
Protein change: p.Pro961Ser; replaces proline 961 with serine.
Molecular consequence: missense variant.
Genome position (GRCh38, 1-based): chr2:189,051,370, G>A on the plus strand (C>T on the coding strand, the complement: COL5A2 is on the minus strand). VCF-style: chr2-189051370-G-A. GRCh37 (hg19) VCF-style: chr2-189916096-G-A.
Other names: p.Pro961Ser; short protein forms P961S.
Identifiers: ClinVar variation 74355 (VCV000074355.18), dbSNP rs267599127, ClinGen allele CA2022160.
Genomic context (GRCh38, chr2:189,051,370, plus strand): 5'-CCAAACTTACAGGTTGCCCATCTTCTCCTGGGTCCCCTTTGTCTCCTGGGCCACCAGGGG[G>A]GCCAGCTGGTCCTCGATCTCCCACACGCCCATGAGAGCCAGGGTCCCCACGAAGACCTGG-3'
Protein context (NP_000384.2, residues 951-971): GRVGDRGPAG[Pro961Ser]PGGPGDKGDP